The following is an entry in ClinVar:

NM_001099857.5(IKBKG):c.120C>G (p.His40Gln)

Gene: IKBKG (inhibitor of nuclear factor kappa B kinase regulatory subunit gamma; plus strand). Cytogenetic location: Xq28.
Variant type: single nucleotide variant.
Coding change: c.120C>G on transcript NM_001099857.5 (MANE Select); coding-DNA position 120, C replaced by G.
Protein change: p.His40Gln; replaces histidine 40 with glutamine.
Molecular consequence: missense variant. On other transcripts: non-coding transcript variant (1).
Genome position (GRCh38, 1-based): chrX:154,552,122, C>G. VCF-style: chrX-154552122-C-G. GRCh37 (hg19) VCF-style: chrX-153780337-C-G.
Other names: c.324C>G, p.His108Gln (NM_001099856.6); c.120C>G, p.His40Gln (NM_001145255.4, NM_001321396.3, NM_001321397.3 and 5 more transcripts); short protein forms H108Q, H40Q.
Identifiers: ClinVar variation 3860053 (VCV003860053.2).

ClinVar aggregate classification (germline): Uncertain significance. Review status: criteria provided, multiple submitters, no conflicts (2 of 4 stars). 2 submissions from 2 submitters: Uncertain significance (2). Last evaluated 2026-01-29.

Conditions:
Inborn genetic diseases. Identifiers: MedGen C0950123, MeSH D030342.

gnomAD v4.1: 5 of 1,195,555 alleles (0.00042%); highest among the groups gnomAD compares: Admixed American, 0.011%; no homozygotes.

Submissions (2):

Women's Health and Genetics/Laboratory Corporation of America, LabCorp
Classification: Uncertain significance. Last evaluated: 2026-01-29. Review status: criteria provided, single submitter. Criteria: LabCorp Variant Classification Summary - May 2015. Collection method: clinical testing. Allele origin: germline.
Comment: Variant summary: IKBKG c.120C>G (p.His40Gln) results in a non-conservative amino acid change in the encoded protein sequence. Algorithms developed to predict the effect of missense changes on protein structure and function are either unavailable or do not agree on the potential impact of this missense change. The variant allele was found at a frequency of 2.3e-05 in 175282 control chromosomes. The available data on variant occurrences in the general population are insufficient to allow any conclusion about variant significance. To our knowledge, no occurrence of c.120C>G in individuals affected with IKBKG-related conditions and no experimental evidence demonstrating its impact on protein function have been reported. ClinVar contains an entry for this variant (Variation ID: 3860053). Based on the evidence outlined above, the variant was classified as uncertain significance.

Ambry Genetics
Classification: Uncertain significance for Inborn genetic diseases. Last evaluated: 2025-01-19. Review status: criteria provided, single submitter. Criteria: Ambry Variant Classification Scheme 2023. Collection method: clinical testing. Allele origin: germline.